The following is an entry in ClinVar:

NM_000141.5(FGFR2):c.1845G>A (p.Glu615=)

Gene: FGFR2 (fibroblast growth factor receptor 2; minus strand). Cytogenetic location: 10q26.13.
Variant type: single nucleotide variant.
Coding change: c.1845G>A on transcript NM_000141.5 (MANE Select); coding-DNA position 1845, G replaced by A.
Protein change: p.Glu615=; no amino-acid change (glutamic acid 615 retained).
Molecular consequence: synonymous variant. On other transcripts: non-coding transcript variant (1).
Genome position (GRCh38, 1-based): chr10:121,496,550, C>T on the plus strand (G>A on the coding strand, the complement: FGFR2 is on the minus strand). VCF-style: chr10-121496550-C-T. GRCh37 (hg19) VCF-style: chr10-123256064-C-T.
Other names: c.1848G>A, p.Glu616= (NM_001144913.1, NM_022970.4); c.1509G>A, p.Glu503= (NM_001144914.1); c.1578G>A, p.Glu526= (NM_001144915.2, NM_023029.3); c.1500G>A, p.Glu500= (NM_001144916.2); c.1497G>A, p.Glu499= (NM_001144917.2); c.1494G>A, p.Glu498= (NM_001144918.2); c.1581G>A, p.Glu527= (NM_001144919.2); c.1161G>A, p.Glu387= (NM_001320654.2); and 1 more.
Identifiers: ClinVar variation 2640892 (VCV002640892.25), dbSNP rs763592672, ClinGen allele CA5720643.

ClinVar aggregate classification (germline): Likely benign. Review status: criteria provided, multiple submitters, no conflicts (2 of 4 stars). 2 submissions from 2 submitters: Likely benign (2). Last evaluated 2024-05-20.

Allele frequency attached by ClinVar (database versions not stated): ExAC 0.00001.
gnomAD v4.1: 9 of 1,614,162 alleles (0.00056%); highest among the groups gnomAD compares: Non-Finnish European, 0.00076%; no homozygotes.

Submissions (2):

Blueprint Genetics
Classification: Likely benign. Last evaluated: 2024-05-20. Review status: criteria provided, single submitter. Criteria: ACMG Guidelines, 2015. Collection method: clinical testing. Allele origin: germline.

CeGaT Center for Human Genetics Tuebingen
Classification: Likely benign. Last evaluated: 2022-10-01. Review status: criteria provided, single submitter. Criteria: CeGaT Center For Human Genetics Tuebingen Variant Classification Criteria Version 2. Collection method: clinical testing. Allele origin: germline. Affected: yes. Observed: 1 variant allele.
Comment: FGFR2: BP4, BP7